The following is an entry in ClinVar:

NM_000059.4(BRCA2):c.6030C>A (p.Val2010=)

Gene: BRCA2 (BRCA2 DNA repair associated; plus strand). Cytogenetic location: 13q13.1.
Variant type: single nucleotide variant.
Coding change: c.6030C>A on transcript NM_000059.4 (MANE Select); coding-DNA position 6030, C replaced by A.
Protein change: p.Val2010=; no amino-acid change (valine 2010 retained).
Molecular consequence: synonymous variant.
Genome position (GRCh38, 1-based): chr13:32,340,385, C>A. VCF-style: chr13-32340385-C-A. GRCh37 (hg19) VCF-style: chr13-32914522-C-A.
Identifiers: ClinVar variation 229735 (VCV000229735.20), dbSNP rs786201328, ClinGen allele CA10579675.

ClinVar aggregate classification (germline): Likely benign. Review status: reviewed by expert panel (3 of 4 stars). 6 submissions from 6 submitters: Likely benign (1). 5 of the submissions do not count toward it. Last evaluated 2017-06-29.

Conditions:
Hereditary breast ovarian cancer syndrome. Also called: Hereditary breast and ovarian cancer syndrome; Breast and ovarian cancer; Hereditary breast and ovarian cancer; Hereditary breast and ovarian cancer syndrome (HBOC); BRCA1- and BRCA2-Associated Hereditary Breast and Ovarian Cancer; Hereditary breast and/or ovarian cancer syndrome. Identifiers: Orphanet 145, MedGen C0677776, MeSH D061325, MONDO:0003582. Disease mechanism: loss of function.
Breast-ovarian cancer, familial, susceptibility to, 2 (BROVCA2). Also called: BRCA2 Hereditary Breast and Ovarian Cancer. Identifiers: Orphanet 145, MedGen C2675520, MONDO:0012933, OMIM 612555. Disease mechanism: loss of function.
Fanconi anemia complementation group D1. Also called: BRCA2-Related Fanconi Anemia. Identifiers: Orphanet 319462, MedGen C1838457, MONDO:0011584, OMIM 605724.
Medulloblastoma (MDB). Also called: MEDULLOBLASTOMA PREDISPOSITION SYNDROME; Medulloblastoma, somatic. Identifiers: Orphanet 616, MedGen C0025149, MeSH D008527, MONDO:0007959, OMIM 155255, HP:0002885.
Prostate cancer. Also called: Malignant tumor of prostate. Identifiers: Orphanet 1331, MedGen C0376358, MONDO:0008315, HP:0012125.
Familial cancer of breast. Also called: hereditary breast carcinoma; BREAST CANCER, FAMILIAL; Hereditary breast cancer. Identifiers: Orphanet 227535, MedGen C0346153, MONDO:0016419, OMIM 114480. Disease mechanism: loss of function.
Wilms tumor 1 (WT1). Also called: Wilms tumor, somatic. Identifiers: Orphanet 654, MedGen CN033288, MONDO:0008679, OMIM 194070.
Pancreatic cancer, susceptibility to, 2. Identifiers: Orphanet 1333, MedGen C3150546, MONDO:0013235, OMIM 613347.
Glioma susceptibility 3 (GLM3). Also called: Glioblastoma 3. Identifiers: Orphanet 182067, Orphanet 360, MedGen C2751641, MONDO:0013093, OMIM 613029.
Hereditary cancer-predisposing syndrome. Also called: Hereditary neoplastic syndrome; Hereditary Cancer Syndrome; Neoplastic Syndromes, Hereditary; Tumor predisposition. Identifiers: Orphanet 140162, MedGen C0027672, MeSH D009386, MONDO:0015356.

Allele frequency attached by ClinVar (database versions not stated): gnomAD exomes below 0.00001.

Submissions (6):

Evidence-based Network for the Interpretation of Germline Mutant Alleles (ENIGMA)
Classification: Likely benign for Breast-ovarian cancer, familial, susceptibility to, 2. Last evaluated: 2017-06-29. Review status: reviewed by expert panel. Criteria: ENIGMA BRCA1/2 Classification Criteria (2017-06-29). Collection method: curation. Allele origin: germline.
Comment: Synonymous substitution variant, with low bioinformatic likelihood to result in a splicing aberration (Splicing prior probability 0.02).

Labcorp Genetics (formerly Invitae), Labcorp
Classification: Likely benign for Hereditary breast ovarian cancer syndrome. Last evaluated: 2024-11-24. Review status: criteria provided, single submitter. Criteria: Invitae Variant Classification Sherloc (09022015). Collection method: clinical testing. Allele origin: germline. Not counted in ClinVar's aggregate classification.

Fulgent Genetics
Classification: Likely benign for Familial cancer of breast; Medulloblastoma; Familial prostate cancer; Wilms tumor 1; Fanconi anemia complementation group D1; Breast-ovarian cancer, familial, susceptibility to, 2; Glioma susceptibility 3; Pancreatic cancer, susceptibility to, 2. Last evaluated: 2022-02-08. Review status: criteria provided, single submitter. Criteria: ACMG Guidelines, 2015. Collection method: clinical testing. Allele origin: unknown. Not counted in ClinVar's aggregate classification.

Color Diagnostics, LLC DBA Color Health
Classification: Likely benign for Hereditary cancer-predisposing syndrome. Last evaluated: 2019-11-25. Review status: criteria provided, single submitter. Criteria: ACMG Guidelines, 2015. Collection method: clinical testing. Allele origin: germline. Not counted in ClinVar's aggregate classification.

Women's Health and Genetics/Laboratory Corporation of America, LabCorp
Classification: Likely benign. Last evaluated: 2019-08-21. Review status: criteria provided, single submitter. Criteria: LabCorp Variant Classification Summary - May 2015. Collection method: clinical testing. Allele origin: germline. Not counted in ClinVar's aggregate classification.

Ambry Genetics
Classification: Likely benign for Hereditary cancer-predisposing syndrome. Last evaluated: 2015-01-13. Review status: criteria provided, single submitter. Criteria: Ambry Variant Classification Scheme 2023. Collection method: clinical testing. Allele origin: germline. Not counted in ClinVar's aggregate classification.